The following is an entry in ClinVar:

NM_000138.5(FBN1):c.6966del (p.Phe2322fs)

Gene: FBN1 (fibrillin 1; minus strand). Cytogenetic location: 15q21.1.
Variant type: Deletion.
Coding change: c.6966del on transcript NM_000138.5 (MANE Select); coding-DNA position 6966, one base deleted (T; older notation c.6966delT).
Protein change: p.Phe2322fs; shifts the reading frame from phenylalanine 2322.
Molecular consequence: frameshift variant.
Genome position (GRCh38, 1-based): chr15:48,428,377, A deleted on the plus strand (T on the coding strand, the reverse complement: FBN1 is on the minus strand); the first of 3 consecutive A bases (chr15:48,428,377-48,428,379); deleting any one gives the same sequence. VCF-style (leftmost placement, unchanged base first): chr15-48428376-TA-T. GRCh37 (hg19) VCF-style: chr15-48720573-TA-T.
Other names: c.6966delT (NM_000138.4); short protein forms F2322fs.
Identifiers: ClinVar variation 527184 (VCV000527184.8), dbSNP rs1555394623, ClinGen allele CA658798047.

ClinVar aggregate classification (germline): Pathogenic (1 of 4 stars; one submission).

Conditions:
Familial thoracic aortic aneurysm and aortic dissection (TAAD). Also called: Thoracic aortic aneurysms and dissections. Identifiers: Orphanet 91387, MedGen C4707243, MONDO:0019625.
Marfan syndrome (MFS). Also called: Marfan syndrome type 1; Marfan syndrome, classic; Marfan's syndrome; FBN1-Related Marfan Syndrome; MARFAN SYNDROME, TYPE I. Identifiers: Orphanet 284963, Orphanet 558, MedGen C0024796, MONDO:0007947, OMIM 154700.

Submission:

Labcorp Genetics (formerly Invitae), Labcorp
Classification: Pathogenic for Marfan syndrome; Familial thoracic aortic aneurysm and aortic dissection. Last evaluated: 2017-11-15. Review status: criteria provided, single submitter. Criteria: Invitae Variant Classification Sherloc (09022015). Collection method: clinical testing. Allele origin: germline.
Comment: This sequence change creates a premature translational stop signal (p.Phe2322Leufs*76) in the FBN1 gene. It is expected to result in an absent or disrupted protein product. This variant is not present in population databases (ExAC no frequency). Loss-of-function variants in FBN1 are known to be pathogenic (PMID: 17657824, 19293843). For these reasons, this variant has been classified as Pathogenic.

Literature cited by the submitters: PubMed 17657824; PubMed 19293843.